The following is an entry in ClinVar:

NM_006947.4(SRP72):c.1717G>C (p.Asp573His)

Gene: SRP72 (signal recognition particle 72; plus strand). Cytogenetic location: 4q12.
Variant type: single nucleotide variant.
Coding change: c.1717G>C on transcript NM_006947.4 (MANE Select); coding-DNA position 1717, G replaced by C.
Protein change: p.Asp573His; replaces aspartic acid 573 with histidine.
Molecular consequence: missense variant. On other transcripts: non-coding transcript variant (1).
Genome position (GRCh38, 1-based): chr4:56,500,574, G>C. VCF-style: chr4-56500574-G-C. GRCh37 (hg19) VCF-style: chr4-57366740-G-C.
Other names: c.1534G>C, p.Asp512His (NM_001267722.2); short protein forms D512H, D573H.
Identifiers: ClinVar variation 2579467 (VCV002579467.1), dbSNP rs1721229379, ClinGen allele CA357002566.

ClinVar aggregate classification (germline): Uncertain significance (1 of 4 stars; one submission).

Submission:

GeneDx
Classification: Uncertain significance. Last evaluated: 2023-03-06. Review status: criteria provided, single submitter. Criteria: GeneDx Variant Classification Process June 2021. Collection method: clinical testing. Allele origin: germline. Affected: yes.
Comment: Not observed at significant frequency in large population cohorts (gnomAD); In silico analysis supports that this missense variant has a deleterious effect on protein structure/function; Has not been previously published as pathogenic or benign to our knowledge; This variant is associated with the following publications: (PMID: 21073748)